The following is an entry in ClinVar:

NM_152365.3(KDF1):c.421G>A (p.Ala141Thr)

Gene: KDF1 (keratinocyte differentiation factor 1; minus strand). Cytogenetic location: 1p36.11.
Variant type: single nucleotide variant.
Coding change: c.421G>A on transcript NM_152365.3 (MANE Select); coding-DNA position 421, G replaced by A.
Protein change: p.Ala141Thr; replaces alanine 141 with threonine.
Molecular consequence: missense variant.
Genome position (GRCh38, 1-based): chr1:26,951,960, C>T on the plus strand (G>A on the coding strand, the complement: KDF1 is on the minus strand). VCF-style: chr1-26951960-C-T. GRCh37 (hg19) VCF-style: chr1-27278451-C-T.
Other names: short protein forms A141T.
Identifiers: ClinVar variation 3630749 (VCV003630749.2).
Genomic context (GRCh38, chr1:26,951,960, plus strand): 5'-AGCTGAAGCTGCTGCCCATGGTTGACTTGAGCCGCTGGCCATCCCGCCGGCTGGGGGGTG[C>T]ACGATCAGGGCTGGGGGGCACTCCATTGTGCTCCTTGGCCCAGTTGGCTTCAGCAGTCCC-3'
Protein context (NP_689578.2, residues 131-151): HNGVPPSPDR[Ala141Thr]PPSRRDGQRL

ClinVar aggregate classification (germline): Uncertain significance (1 of 4 stars; one submission).

gnomAD v4.1: 7 of 1,606,224 alleles (0.00044%); highest among the groups gnomAD compares: South Asian, 0.0077%; no homozygotes.

Submission:

Labcorp Genetics (formerly Invitae), Labcorp
Classification: Uncertain significance. Last evaluated: 2025-02-06. Review status: criteria provided, single submitter. Criteria: Invitae Variant Classification Sherloc (09022015). Collection method: clinical testing. Allele origin: germline.
Comment: This sequence change replaces alanine, which is neutral and non-polar, with threonine, which is neutral and polar, at codon 141 of the KDF1 protein (p.Ala141Thr). This variant is present in population databases (rs757023061, gnomAD 0.01%). This variant has not been reported in the literature in individuals affected with KDF1-related conditions. Invitae Evidence Modeling of protein sequence and biophysical properties (such as structural, functional, and spatial information, amino acid conservation, physicochemical variation, residue mobility, and thermodynamic stability) indicates that this missense variant is not expected to disrupt KDF1 protein function with a negative predictive value of 80%. In summary, the available evidence is currently insufficient to determine the role of this variant in disease. Therefore, it has been classified as a Variant of Uncertain Significance.